The following is an entry in ClinVar:

ClinVar aggregate classification (germline): Uncertain significance (1 of 4 stars; one submission).

Conditions:
Werner syndrome (WRN). Identifiers: Orphanet 902, MedGen C0043119, MONDO:0010196, OMIM 277700.

Allele frequency attached by ClinVar (database versions not stated): gnomAD exomes below 0.00001; TOPMed 0.00002.
gnomAD v4.1: 2 of 1,605,336 alleles (0.00012%); highest among the groups gnomAD compares: Admixed American, 0.0017%; no homozygotes.

Submission:

Labcorp Genetics (formerly Invitae), Labcorp
Classification: Uncertain significance for Werner syndrome. Last evaluated: 2025-11-20. Review status: criteria provided, single submitter. Criteria: Invitae Variant Classification Sherloc (09022015). Collection method: clinical testing. Allele origin: germline.
Comment: This sequence change replaces aspartic acid, which is acidic and polar, with asparagine, which is neutral and polar, at codon 443 of the WRN protein (p.Asp443Asn). This variant is present in population databases (no rsID available, gnomAD 0.003%). This variant has not been reported in the literature in individuals affected with WRN-related conditions. ClinVar contains an entry for this variant (Variation ID: 1523651). An algorithm developed to predict the effect of missense changes on protein structure and function (PolyPhen-2) suggests that this variant is likely to be tolerated. In summary, the available evidence is currently insufficient to determine the role of this variant in disease. Therefore, it has been classified as a Variant of Uncertain Significance.

NM_000553.6(WRN):c.1327G>A (p.Asp443Asn)

Gene: WRN (WRN RecQ like helicase; plus strand). Cytogenetic location: 8p12.
Variant type: single nucleotide variant.
Coding change: c.1327G>A on transcript NM_000553.6 (MANE Select); coding-DNA position 1327, G replaced by A.
Protein change: p.Asp443Asn; replaces aspartic acid 443 with asparagine.
Molecular consequence: missense variant.
Genome position (GRCh38, 1-based): chr8:31,083,756, G>A. VCF-style: chr8-31083756-G-A. GRCh37 (hg19) VCF-style: chr8-30941272-G-A.
Other names: short protein forms D443N.
Identifiers: ClinVar variation 1523651 (VCV001523651.6), dbSNP rs1287053714, ClinGen allele CA370922781.